The following is an entry in ClinVar:

ClinVar aggregate classification (germline): Uncertain significance (1 of 4 stars; one submission).

Submission:

Labcorp Genetics (formerly Invitae), Labcorp
Classification: Uncertain significance. Last evaluated: 2022-06-19. Review status: criteria provided, single submitter. Criteria: Invitae Variant Classification Sherloc (09022015). Collection method: clinical testing. Allele origin: germline.
Comment: This sequence change replaces proline, which is neutral and non-polar, with leucine, which is neutral and non-polar, at codon 142 of the COL18A1 protein (p.Pro142Leu). In summary, the available evidence is currently insufficient to determine the role of this variant in disease. Therefore, it has been classified as a Variant of Uncertain Significance. Experimental studies and prediction algorithms are not available or were not evaluated, and the functional significance of this variant is currently unknown. This variant has not been reported in the literature in individuals affected with COL18A1-related conditions. This variant is not present in population databases (gnomAD no frequency).

NM_001379500.1(COL18A1):c.425C>T (p.Pro142Leu)

Gene: COL18A1 (collagen type XVIII alpha 1 chain; plus strand). Cytogenetic location: 21q22.3.
Variant type: single nucleotide variant.
Coding change: c.425C>T on transcript NM_001379500.1 (MANE Select); coding-DNA position 425, C replaced by T.
Protein change: p.Pro142Leu; replaces proline 142 with leucine.
Molecular consequence: missense variant.
Genome position (GRCh38, 1-based): chr21:45,468,560, C>T. VCF-style: chr21-45468560-C-T. GRCh37 (hg19) VCF-style: chr21-46888474-C-T.
Other names: c.965C>T, p.Pro322Leu (NM_030582.4); c.1670C>T, p.Pro557Leu (NM_130444.3); short protein forms P142L, P557L, P322L.
Identifiers: ClinVar variation 2042588 (VCV002042588.4), dbSNP rs2035299669, ClinGen allele CA410512019.